The following is an entry in ClinVar:

NM_003072.5(SMARCA4):c.1250G>T (p.Arg417Leu)

Gene: SMARCA4 (SWI/SNF related BAF chromatin remodeling complex subunit ATPase 4; plus strand). Cytogenetic location: 19p13.2.
Variant type: single nucleotide variant.
Coding change: c.1250G>T on transcript NM_003072.5 (MANE Select); coding-DNA position 1250, G replaced by T.
Protein change: p.Arg417Leu; replaces arginine 417 with leucine.
Molecular consequence: missense variant. On other transcripts: non-coding transcript variant (1).
Genome position (GRCh38, 1-based): chr19:10,991,154, G>T. VCF-style: chr19-10991154-G-T. GRCh37 (hg19) VCF-style: chr19-11101830-G-T.
Other names: c.1250G>T, p.Arg417Leu (NM_001128844.3, NM_001128845.2, NM_001128846.2 and 6 more transcripts); short protein forms R417L.
Identifiers: ClinVar variation 2106825 (VCV002106825.4), dbSNP rs2086526099, ClinGen allele CA404060476.

ClinVar aggregate classification (germline): Uncertain significance (1 of 4 stars; one submission).

Conditions:
Rhabdoid tumor predisposition syndrome 2 (RTPS2). Identifiers: Orphanet 231108, Orphanet 69077, MedGen C2750074, MONDO:0013224, OMIM 613325.

Submission:

Labcorp Genetics (formerly Invitae), Labcorp
Classification: Uncertain significance for Rhabdoid tumor predisposition syndrome 2. Last evaluated: 2022-11-23. Review status: criteria provided, single submitter. Criteria: Invitae Variant Classification Sherloc (09022015). Collection method: clinical testing. Allele origin: germline.
Comment: Advanced modeling of protein sequence and biophysical properties (such as structural, functional, and spatial information, amino acid conservation, physicochemical variation, residue mobility, and thermodynamic stability) has been performed at Invitae for this missense variant, however the output from this modeling did not meet the statistical confidence thresholds required to predict the impact of this variant on SMARCA4 protein function. In summary, the available evidence is currently insufficient to determine the role of this variant in disease. Therefore, it has been classified as a Variant of Uncertain Significance. This variant has not been reported in the literature in individuals affected with SMARCA4-related conditions. This variant is not present in population databases (gnomAD no frequency). This sequence change replaces arginine, which is basic and polar, with leucine, which is neutral and non-polar, at codon 417 of the SMARCA4 protein (p.Arg417Leu).